The following is an entry in ClinVar:

ClinVar aggregate classification (germline): Pathogenic. Review status: criteria provided, multiple submitters, no conflicts (2 of 4 stars). 3 submissions from 3 submitters: Pathogenic (3). Last evaluated 2024-11-01.

Conditions:
Neurodegeneration with brain iron accumulation 5 (NBIA5). Also called: STATIC ENCEPHALOPATHY OF CHILDHOOD WITH NEURODEGENERATION IN ADULTHOOD; Beta-propeller protein-associated neurodegeneration. Identifiers: Orphanet 329284, MedGen C3550973, MONDO:0010476, OMIM 300894.

Submissions (3):

CeGaT Center for Human Genetics Tuebingen
Classification: Pathogenic. Last evaluated: 2024-11-01. Review status: criteria provided, single submitter. Criteria: CeGaT Center For Human Genetics Tuebingen Variant Classification Criteria Version 2. Collection method: clinical testing. Allele origin: germline. Affected: yes. Observed: 1 variant allele.
Comment: WDR45: PVS1, PM6:Strong, PM2, PS4:Moderate

3billion
Classification: Pathogenic for Neurodegeneration with brain iron accumulation 5. Last evaluated: 2023-02-23. Review status: criteria provided, single submitter. Criteria: ACMG Guidelines, 2015. Collection method: clinical testing. Allele origin: unknown. Affected: yes.
Comment: The variant is not observed in the gnomAD v2.1.1 dataset. This variant was predicted to result in a loss or disruption of normal protein function through nonsense-mediated decay (NMD) or protein truncation. Multiple pathogenic variants are reported downstream of the variant. The variant has been reported to be associated with WDR45 related disorder (ClinVar ID: VCV000976312 / PMID: 25263061). Therefore, this variant is classified as Pathogenic according to the recommendation of ACMG/AMP guideline.

Institute of Human Genetics, University of Leipzig Medical Center
Classification: Pathogenic for Neurodegeneration with brain iron accumulation 5. Last evaluated: 2019-09-24. Review status: criteria provided, single submitter. Criteria: ACMG Guidelines, 2015. Collection method: clinical testing. Allele origin: germline. Affected: yes. Observed: 1 variant allele.

Literature cited by the submitters: PubMed 25263061 (cited by 3billion).

NM_001029896.2(WDR45):c.865C>T (p.Gln289Ter)

Gene: WDR45 (WD repeat domain 45; minus strand). Cytogenetic location: Xp11.23.
Variant type: single nucleotide variant.
Coding change: c.865C>T on transcript NM_001029896.2 (MANE Select); coding-DNA position 865, C replaced by T.
Protein change: p.Gln289Ter; replaces glutamine 289 with a stop codon.
Molecular consequence: nonsense.
Genome position (GRCh38, 1-based): chrX:49,075,244, G>A on the plus strand (C>T on the coding strand, the complement: WDR45 is on the minus strand). VCF-style: chrX-49075244-G-A. GRCh37 (hg19) VCF-style: chrX-48932903-G-A.
Other names: c.868C>T, p.Gln290Ter (NM_007075.4); short protein forms Q289*, Q290*.
Identifiers: ClinVar variation 976312 (VCV000976312.16), dbSNP rs2065029414, ClinGen allele CA412942328.